The following is an entry in ClinVar:

ClinVar aggregate classification (germline): Uncertain significance (1 of 4 stars; one submission).

Submission:

Labcorp Genetics (formerly Invitae), Labcorp
Classification: Uncertain significance. Last evaluated: 2022-01-27. Review status: criteria provided, single submitter. Criteria: Invitae Variant Classification Sherloc (09022015). Collection method: clinical testing. Allele origin: germline.
Comment: In summary, the available evidence is currently insufficient to determine the role of this variant in disease. Therefore, it has been classified as a Variant of Uncertain Significance. Algorithms developed to predict the effect of missense changes on protein structure and function are either unavailable or do not agree on the potential impact of this missense change (SIFT: "Deleterious"; PolyPhen-2: "Probably Damaging"; Align-GVGD: "Class C0"). This variant has not been reported in the literature in individuals affected with SPEG-related conditions. This variant is not present in population databases (gnomAD no frequency). This sequence change replaces lysine, which is basic and polar, with asparagine, which is neutral and polar, at codon 3257 of the SPEG protein (p.Lys3257Asn).

NM_005876.5(SPEG):c.9771G>T (p.Lys3257Asn)

Genes: ASIC4-AS1 (ASIC4 antisense RNA 1; minus strand), SPEG (striated muscle enriched protein kinase; plus strand). Cytogenetic location: 2q35.
Variant type: single nucleotide variant.
Coding change: c.9771G>T on transcript NM_005876.5 (MANE Select); coding-DNA position 9771, G replaced by T.
Protein change: p.Lys3257Asn; replaces lysine 3257 with asparagine.
Molecular consequence: missense variant.
Genome position (GRCh38, 1-based): chr2:219,492,753, G>T. VCF-style: chr2-219492753-G-T. GRCh37 (hg19) VCF-style: chr2-220357475-G-T.
Other names: short protein forms K3257N.
Identifiers: ClinVar variation 1970115 (VCV001970115.5), dbSNP rs933646681, ClinGen allele CA350720210.